The following is an entry in ClinVar:

ClinVar aggregate classification (germline): Uncertain significance. Review status: reviewed by expert panel (3 of 4 stars). 13 submissions from 13 submitters: Uncertain significance (1). 12 of the submissions do not count toward it. Last evaluated 2025-11-14.

Conditions:
Cardiovascular phenotype. Identifiers: MedGen CN230736.
Cardiomyopathy (CMYO). Also called: Cardiomyopathies. Identifiers: Orphanet 167848, MedGen C0878544, MONDO:0004994, HP:0001638. Inheritance: Various modes of inheritance.
Primary familial hypertrophic cardiomyopathy (HCM). Identifiers: Orphanet 99739, MedGen C0949658, MeSH D024741, MONDO:0024573. Inheritance: Various modes of inheritance.
Hypertrophic cardiomyopathy 8. Also called: CARDIOMYOPATHY, HYPERTROPHIC, MID-LEFT VENTRICULAR CHAMBER TYPE, 1; MYL3-Related Familial Hypertrophic Cardiomyopathy. Identifiers: MedGen C1837471, MONDO:0012111, OMIM 608751.
Hypertrophic cardiomyopathy. Also called: HYPERTROPHIC MYOCARDIOPATHY. Identifiers: Orphanet 217569, MedGen C0007194, MeSH D002312, MONDO:0005045, HP:0001639.

Allele frequency attached by ClinVar (database versions not stated): gnomAD exomes 0.00001 and 0.00002; ExAC 0.00002; ESP Exome Variant Server 0.00008; TOPMed 0.00005; gnomAD 0.00004.

Submissions 1 to 8 of 13:

ClinGen Cardiomyopathy Variant Curation Expert Panel
Classification: Uncertain significance for Hypertrophic cardiomyopathy. Last evaluated: 2025-11-14. Review status: reviewed by expert panel. Criteria: ClinGen CMP ACMG Specifications MYL3 V1.0.0. Collection method: curation. Allele origin: germline. Inheritance: Autosomal dominant inheritance.
Comment: NM_000258.3(MYL3):c.460C>T (p.Arg154Cys). This variant has been reported in individuals with HCM and other cardiomyopathies (ClinVar Variation ID 43124) and has also been identified in 4 out of 282804 (0.025% FAF 95% CI) of pan-ethnic chromosomes in gnomAD (v2.1). The variant is statistically increased in individuals with HCM compared to controls (OR, lower 95% CI>5), therefore, the PS4 criterion has been applied at supporting strength (PS4_Supporting) and the PM2_Supporting criterion has not been applied. Computational prediction tools and conservation analyses suggest that this variant may impact the protein (PP3; REVEL score ≥0.70). In summary, due to insufficient evidence, this variant is classified as uncertain significance for hypertrophic cardiomyopathy in an autosomal dominant manner. MYL2-specific ACMG/AMP criteria applied: PS4_Supporting, PP3.

Ambry Genetics
Classification: Likely pathogenic for Cardiovascular phenotype. Last evaluated: 2026-06-16. Review status: criteria provided, single submitter. Criteria: Ambry Variant Classification Scheme 2023. Collection method: clinical testing. Allele origin: germline. Not counted in ClinVar's aggregate classification.
Comment: The c.460C>T (p.R154C) alteration is located in exon 4 (coding exon 4) of the MYL3 gene. This alteration results from a C to T substitution at nucleotide position 460, causing the arginine (R) at amino acid position 154 to be replaced by a cysteine (C). Based on data from gnomAD, the T allele has an overall frequency of 0.001% (4/282804) total alleles studied. The highest observed frequency was 0.008% (2/24964) of African alleles. This variant has been reported in multiple individuals with hypertrophic cardiomyopathy (HCM) (Zou, 2013; Walsh, 2017; Bonaventura, 2019; Ware, 2022; Allouba, 2023; Ambry internal data). This amino acid position is highly conserved in available vertebrate species. This alteration is predicted to be deleterious by in silico analysis. Based on the available evidence, this alteration is classified as likely pathogenic.

Labcorp Genetics (formerly Invitae), Labcorp
Classification: Likely pathogenic for Hypertrophic cardiomyopathy. Last evaluated: 2026-01-13. Review status: criteria provided, single submitter. Criteria: Invitae Variant Classification Sherloc (09022015). Collection method: clinical testing. Allele origin: germline. Not counted in ClinVar's aggregate classification.
Comment: This sequence change replaces arginine, which is basic and polar, with cysteine, which is neutral and slightly polar, at codon 154 of the MYL3 protein (p.Arg154Cys). This variant is present in population databases (rs143852164, gnomAD 0.004%). This missense change has been observed in individuals with hypertrophic cardiomyopathy (PMID: 23283745, 25351510, 27532257, 31110529, 37652022; internal data). ClinVar contains an entry for this variant (Variation ID: 43124). An algorithm developed to predict the effect of missense changes on protein structure and function (PolyPhen-2) suggests that this variant is likely to be disruptive. This variant disrupts the p.Arg154 amino acid residue in MYL3. Other variant(s) that disrupt this residue have been observed in individuals with MYL3-related conditions (PMID: 23283745, 31110529), which suggests that this may be a clinically significant amino acid residue. In summary, the currently available evidence indicates that the variant is pathogenic, but additional data are needed to prove that conclusively. Therefore, this variant has been classified as Likely Pathogenic.

Color Diagnostics, LLC DBA Color Health
Classification: Likely pathogenic for Cardiomyopathy. Last evaluated: 2025-06-25. Review status: criteria provided, single submitter. Criteria: ACMG Guidelines, 2015. Collection method: clinical testing. Allele origin: germline. Not counted in ClinVar's aggregate classification.
Comment: This missense variant replaces arginine with cysteine at codon 154 in the EF-hand domain of the MYL3 protein. Computational prediction suggests that this variant may have deleterious impact on protein structure and function. To our knowledge, functional studies have not been reported for this variant. This variant has been reported in more than ten individuals affected with hypertrophic cardiomyopathy (PMID: 23283745, 23396983, 27532257, 31110529, 33495597, 35026164, 37431535, 37652022ClinVar SCV000284304.10, SCV000740255.7). It has also been reported in an individual affected with restrictive cardiomyopathy (PMID: 35026164). This variant has been identified in 4/251410 chromosomes in the general population by the Genome Aggregation Database (gnomAD). Based on the available evidence, this variant is classified as Likely Pathogenic.

3billion
Classification: Uncertain significance for Hypertrophic cardiomyopathy 8. Last evaluated: 2024-12-20. Review status: criteria provided, single submitter. Criteria: ACMG Guidelines, 2015. Collection method: clinical testing. Allele origin: germline. Affected: yes. Not counted in ClinVar's aggregate classification.
Comment: The variant is observed at an extremely low frequency in the gnomAD v4.1.0 dataset (total allele frequency: 0.001%). Predicted Consequence/Location: Missense variant In silico tool predictions suggest damaging effect of the variant on gene or gene product [REVEL: 0.87 (>=0.6, sensitivity 0.68 and specificity 0.92); 3Cnet: 0.90 (>=0.6, sensitivity 0.72 and precision 0.9)]. The same nucleotide change resulting in the same amino acid change has been previously reported to be associated with MYL3-related disorder (ClinVar ID: VCV000043124 /PMID: 23283745).A different missense change at the same codon (p.Arg154His) has been reported to be associated with MYL3-related disorder (PMID: 8673105). Therefore, this variant is classified as VUS according to the recommendation of ACMG/AMP guideline.

All of Us Research Program, National Institutes of Health
Classification: Uncertain significance for Hypertrophic cardiomyopathy. Last evaluated: 2024-03-05. Review status: criteria provided, single submitter. Criteria: ACMG Guidelines, 2015. Collection method: clinical testing. Allele origin: germline. Inheritance: Autosomal dominant inheritance. Observed: 5 variant alleles, 5 heterozygotes. Not counted in ClinVar's aggregate classification.
Comment: This missense variant replaces arginine with cysteine at codon 154 of the MYL3 protein. Computational prediction suggests that this variant may have deleterious impact on protein structure and function (internally defined REVEL score threshold >= 0.7, PMID: 27666373). To our knowledge, functional studies have not been reported for this variant. This variant has been reported in individuals affected with hypertrophic cardiomyopathy (PMID: 23283745, 23396983, 27532257, 31110529, 33495597). This variant has not been identified in the general population by the Genome Aggregation Database (gnomAD). The available evidence is insufficient to determine the role of this variant in disease conclusively. Therefore, this variant is classified as a Variant of Uncertain Significance.

This study involves interpretation of variants in research participants for the purpose of population health screening. Participant phenotype was not available at the time of variant classification. Additional details can be found in publication PMID: 35346344, PMCID: PMC8962531

Clinical Genetics Laboratory, Skane University Hospital Lund
Classification: Uncertain significance. Last evaluated: 2024-02-27. Review status: criteria provided, single submitter. Criteria: ACMG Guidelines, 2015. Collection method: clinical testing. Allele origin: germline. Affected: yes. Not counted in ClinVar's aggregate classification.

Blueprint Genetics
Classification: Uncertain significance. Last evaluated: 2023-12-22. Review status: criteria provided, single submitter. Criteria: ACMG Guidelines, 2015. Collection method: clinical testing. Allele origin: germline. Not counted in ClinVar's aggregate classification.

NM_000258.3(MYL3):c.460C>T (p.Arg154Cys)

Gene: MYL3 (myosin light chain 3; minus strand). Cytogenetic location: 3p21.31.
Variant type: single nucleotide variant.
Coding change: c.460C>T on transcript NM_000258.3 (MANE Select); coding-DNA position 460, C replaced by T.
Protein change: p.Arg154Cys; replaces arginine 154 with cysteine.
Molecular consequence: missense variant.
Genome position (GRCh38, 1-based): chr3:46,859,496, G>A on the plus strand (C>T on the coding strand, the complement: MYL3 is on the minus strand). VCF-style: chr3-46859496-G-A. GRCh37 (hg19) VCF-style: chr3-46900986-G-A.
Other names: short protein forms R154C.
Identifiers: ClinVar variation 43124 (VCV000043124.35), dbSNP rs143852164, ClinGen allele CA013849.